The following is an entry in ClinVar:

NM_006514.4(SCN10A):c.2212A>C (p.Thr738Pro)

Gene: SCN10A (sodium voltage-gated channel alpha subunit 10; minus strand). Cytogenetic location: 3p22.2.
Variant type: single nucleotide variant.
Coding change: c.2212A>C on transcript NM_006514.4 (MANE Select); coding-DNA position 2212, A replaced by C.
Protein change: p.Thr738Pro; replaces threonine 738 with proline.
Molecular consequence: missense variant.
Genome position (GRCh38, 1-based): chr3:38,739,583, T>G on the plus strand (A>C on the coding strand, the complement: SCN10A is on the minus strand). VCF-style: chr3-38739583-T-G. GRCh37 (hg19) VCF-style: chr3-38781074-T-G.
Other names: c.2212A>C, p.Thr738Pro (NM_001293306.2); c.1918A>C, p.Thr640Pro (NM_001293307.2); short protein forms T738P, T640P.
Identifiers: ClinVar variation 4614866 (VCV004614866.1).
Genomic context (GRCh38, chr3:38,739,583, plus strand): 5'-AGCTCCGCAGCACAGACAGGCTTCCCTTCTTGGCCACGCCCAGCTCTAGCAGACTCACAG[T>G]GACGATGATGCAGTCAAAGATATTCCACTTCTTCTGGAAATAATAGTATGGGTCGAAGGC-3'
Protein context (NP_006505.4, residues 728-748): KWNIFDCIIV[Thr738Pro]VSLLELGVAK

ClinVar aggregate classification (germline): Uncertain significance (1 of 4 stars; one submission).

Conditions:
Cardiovascular phenotype. Identifiers: MedGen CN230736.

Submission:

Ambry Genetics
Classification: Uncertain significance for Cardiovascular phenotype. Last evaluated: 2025-09-15. Review status: criteria provided, single submitter. Criteria: Ambry Variant Classification Scheme 2023. Collection method: clinical testing. Allele origin: germline.
Comment: The p.T738P variant (also known as c.2212A>C), located in coding exon 14 of the SCN10A gene, results from an A to C substitution at nucleotide position 2212. The threonine at codon 738 is replaced by proline, an amino acid with highly similar properties. This amino acid position is not well conserved in available vertebrate species. In addition, this alteration is predicted to be deleterious by in silico analysis. The evidence for this gene-disease relationship is limited; therefore, the clinical significance of this alteration is unclear.